The following is an entry in ClinVar:

NM_078480.3(PUF60):c.479T>C (p.Met160Thr)

Gene: PUF60 (poly(U) binding splicing factor 60; minus strand). Cytogenetic location: 8q24.3.
Variant type: single nucleotide variant.
Coding change: c.479T>C on transcript NM_078480.3 (MANE Select); coding-DNA position 479, T replaced by C.
Protein change: p.Met160Thr; replaces methionine 160 with threonine.
Molecular consequence: missense variant.
Genome position (GRCh38, 1-based): chr8:143,818,404, A>G on the plus strand (T>C on the coding strand, the complement: PUF60 is on the minus strand). VCF-style: chr8-143818404-A-G. GRCh37 (hg19) VCF-style: chr8-144900574-A-G.
Other names: c.350T>C, p.Met117Thr (NM_001136033.3); c.425T>C, p.Met142Thr (NM_001271096.2); c.341T>C, p.Met114Thr (NM_001271097.2); c.476T>C, p.Met159Thr (NM_001271098.2); c.392T>C, p.Met131Thr (NM_001271099.2); c.299T>C, p.Met100Thr (NM_001271100.2); c.590T>C, p.Met197Thr (NM_001362895.2, NM_001362896.2); c.539T>C, p.Met180Thr (NM_001362897.2); and 1 more; short protein forms M100T, M114T, M117T, M131T, M142T, M143T, M159T, M160T.
Identifiers: ClinVar variation 1067021 (VCV001067021.9), dbSNP rs2130256444, ClinGen allele CA372493050.

ClinVar aggregate classification (germline): Likely pathogenic (1 of 4 stars; one submission).

Submission:

Labcorp Genetics (formerly Invitae), Labcorp
Classification: Likely pathogenic. Last evaluated: 2020-01-01. Review status: criteria provided, single submitter. Criteria: Invitae Variant Classification Sherloc (09022015). Collection method: clinical testing. Allele origin: germline.
Comment: This variant has been observed in individual(s) with clinical features of Verheij syndrome (Invitae). In at least one individual the variant was observed to be de novo. In summary, the currently available evidence indicates that the variant is pathogenic, but additional data are needed to prove that conclusively. Therefore, this variant has been classified as Likely Pathogenic. Algorithms developed to predict the effect of missense changes on protein structure and function (SIFT, PolyPhen-2, Align-GVGD) all suggest that this variant is likely to be disruptive, but these predictions have not been confirmed by published functional studies and their clinical significance is uncertain. This variant is not present in population databases (ExAC no frequency). This sequence change replaces methionine with threonine at codon 160 of the PUF60 protein (p.Met160Thr). The methionine residue is highly conserved and there is a moderate physicochemical difference between methionine and threonine.